The following is an entry in ClinVar:

NC_000015.9:g.(?_91303357)_(91312836_?)del

Gene: BLM (BLM RecQ like helicase; plus strand). Cytogenetic location: 15q26.1.
Variant type: Deletion.
Identifiers: ClinVar variation 3243692 (VCV003243692.1).

ClinVar aggregate classification (germline): Pathogenic (1 of 4 stars; one submission).

Conditions:
Bloom syndrome (BLM). Also called: Bloom-Torre-Machacek syndrome. Identifiers: Orphanet 125, MedGen C0005859, MONDO:0008876, OMIM 210900.

Submission:

Labcorp Genetics (formerly Invitae), Labcorp
Classification: Pathogenic for Bloom syndrome. Last evaluated: 2023-12-10. Review status: criteria provided, single submitter. Criteria: Invitae Variant Classification Sherloc (09022015). Collection method: clinical testing. Allele origin: unknown.
Comment: This variant is a gross deletion of the genomic region encompassing exon(s) 6-12 of the BLM gene. This deletion is out-of-frame, and is expected to create a premature termination codon and result in an absent or disrupted protein product. Loss-of-function variants in BLM are known to be pathogenic (PMID: 17407155). This variant has not been reported in the literature in individuals affected with BLM-related conditions. For these reasons, this variant has been classified as Pathogenic.

Literature cited by the submitters: PubMed 17407155.